The following is an entry in ClinVar:

NM_001292063.2(OTOG):c.4637del (p.Thr1546fs)

Gene: OTOG (otogelin; plus strand). Cytogenetic location: 11p15.1.
Variant type: Deletion.
Coding change: c.4637del on transcript NM_001292063.2 (MANE Select); coding-DNA position 4637, one base deleted (C; older notation c.4637delC).
Protein change: p.Thr1546fs; shifts the reading frame from threonine 1546.
Molecular consequence: frameshift variant.
Genome position (GRCh38, 1-based): chr11:17,609,937, C deleted. VCF-style (leftmost placement, unchanged base first): chr11-17609936-AC-A. GRCh37 (hg19) VCF-style: chr11-17631483-AC-A.
Other names: c.4673del, p.Thr1558fs (NM_001277269.2); short protein forms T1546fs, T1558fs.
Identifiers: ClinVar variation 5007839 (VCV005007839.2).

ClinVar aggregate classification (germline): Likely pathogenic (1 of 4 stars; one submission).

Conditions:
Autosomal recessive nonsyndromic hearing loss 18B. Also called: Deafness, autosomal recessive 18b. Identifiers: Orphanet 90636, MedGen C3554163, MONDO:0013985, OMIM 614945.

Submission:

Juno Genomics, Hangzhou Juno Genomics, Inc
Classification: Likely pathogenic for Autosomal recessive nonsyndromic hearing loss 18B. Review status: criteria provided, single submitter. Criteria: ACMG Guidelines, 2015. Collection method: clinical testing. Allele origin: germline.
Comment: Null variant in a gene where loss of function (LOF) is a known mechanism of disease.;Absent from controls (or at extremely low frequency if recessive) in Genome Aggregation Database.